The following is an entry in ClinVar:

ClinVar aggregate classification (germline): Likely pathogenic (1 of 4 stars; one submission).

Submission:

GeneDx
Classification: Likely pathogenic. Last evaluated: 2022-12-20. Review status: criteria provided, single submitter. Criteria: GeneDx Variant Classification Process June 2021. Collection method: clinical testing. Allele origin: germline. Affected: yes.
Comment: Not observed at significant frequency in large population cohorts (gnomAD); In silico analysis supports that this missense variant has a deleterious effect on protein structure/function; Has not been previously published as pathogenic or benign to our knowledge

NM_006516.4(SLC2A1):c.1373G>C (p.Arg458Pro)

Gene: SLC2A1 (solute carrier family 2 member 1; minus strand). Cytogenetic location: 1p34.2.
Variant type: single nucleotide variant.
Coding change: c.1373G>C on transcript NM_006516.4 (MANE Select); coding-DNA position 1373, G replaced by C.
Protein change: p.Arg458Pro; replaces arginine 458 with proline.
Molecular consequence: missense variant.
Genome position (GRCh38, 1-based): chr1:42,927,147, C>G on the plus strand (G>C on the coding strand, the complement: SLC2A1 is on the minus strand). VCF-style: chr1-42927147-C-G. GRCh37 (hg19) VCF-style: chr1-43392818-C-G.
Other names: short protein forms R458P.
Identifiers: ClinVar variation 1806702 (VCV001806702.1), dbSNP rs752143706, ClinGen allele CA339953088.
Genomic context (GRCh38, chr1:42,927,147, plus strand): 5'-GTCTTGTCACTTTGGCTGGCTCCCCCCTGCCGGAAGCCGGAAGCGATCTCATCGAAGGTC[C>G]GGCCTTTAGTCTCAGGAACTTTGAAGTAGGTGAAGATGAAGAACAGAACCAGGAGCACAG-3'
Protein context (NP_006507.2, residues 448-468): TYFKVPETKG[Arg458Pro]TFDEIASGFR